The following is an entry in ClinVar:

ClinVar aggregate classification (germline): Uncertain significance (1 of 4 stars; one submission).

Conditions:
Hereditary spastic paraplegia 39 (SPG39). Also called: Spastic Paraplegia Type 39 (SPG39); SPASTIC PARAPLEGIA 39, AUTOSOMAL RECESSIVE. Identifiers: Orphanet 139480, MedGen C2677586, MONDO:0012787, OMIM 612020.

gnomAD v4.1: 5 of 1,613,614 alleles (0.00031%); highest among the groups gnomAD compares: Non-Finnish European, 0.00042%; no homozygotes.

Submission:

Labcorp Genetics (formerly Invitae), Labcorp
Classification: Uncertain significance for Hereditary spastic paraplegia 39. Last evaluated: 2021-12-23. Review status: criteria provided, single submitter. Criteria: Invitae Variant Classification Sherloc (09022015). Collection method: clinical testing. Allele origin: germline.
Comment: In summary, the available evidence is currently insufficient to determine the role of this variant in disease. Therefore, it has been classified as a Variant of Uncertain Significance. Algorithms developed to predict the effect of missense changes on protein structure and function (SIFT, PolyPhen-2, Align-GVGD) all suggest that this variant is likely to be tolerated. This variant has not been reported in the literature in individuals affected with PNPLA6-related conditions. This variant is present in population databases (rs752915572, gnomAD 0.0009%). This sequence change replaces valine, which is neutral and non-polar, with leucine, which is neutral and non-polar, at codon 399 of the PNPLA6 protein (p.Val399Leu).

NM_001166114.2(PNPLA6):c.1312G>T (p.Val438Leu)

Gene: PNPLA6 (patatin like domain 6, lysophospholipase; plus strand). Cytogenetic location: 19p13.2.
Variant type: single nucleotide variant.
Coding change: c.1312G>T on transcript NM_001166114.2 (MANE Select); coding-DNA position 1312, G replaced by T.
Protein change: p.Val438Leu; replaces valine 438 with leucine.
Molecular consequence: missense variant.
Genome position (GRCh38, 1-based): chr19:7,542,620, G>T. VCF-style: chr19-7542620-G-T. GRCh37 (hg19) VCF-style: chr19-7607506-G-T.
Other names: c.1339G>T, p.Val447Leu (NM_001166111.2); c.1195G>T, p.Val399Leu (NM_001166112.2, NM_001166113.1, NM_006702.5); short protein forms V447L, V399L, V438L.
Identifiers: ClinVar variation 1384583 (VCV001384583.6), dbSNP rs752915572, ClinGen allele CA9139762.
Genomic context (GRCh38, chr19:7,542,620, plus strand): 5'-GGCTTGCAGGGTGGCCCCCGCTCCGACTTCGACATGGCCTATGAGCGTGGCCGGATCTCC[G>T]TGTCCCTGCAGGAAGAGGCCTCCGGGGGGTCCCTGGCAGCCCCCGCTCGGGTAAGGCTTG-3'
Protein context (NP_001159586.1, residues 428-448): DMAYERGRIS[Val438Leu]SLQEEASGGS